The following is an entry in ClinVar:

ClinVar aggregate classification (germline): Uncertain significance (1 of 4 stars; one submission).

Conditions:
LMBRD2-related disorder.

Submission:

PreventionGenetics, part of Exact Sciences
Classification: Uncertain significance for LMBRD2-related condition. Last evaluated: 2025-05-22. Review status: criteria provided, single submitter. Criteria: ACMG Guidelines, 2015. Collection method: clinical testing. Allele origin: germline.
Comment: The LMBRD2 c.1789A>G variant is predicted to result in the amino acid substitution p.Arg597Gly. To our knowledge, this variant has not been reported in the literature or in a large population database (gnomAD), indicating this variant is rare. At this time, the clinical significance of this variant is uncertain due to the absence of conclusive functional and genetic evidence.

NM_001007527.2(LMBRD2):c.1789A>G (p.Arg597Gly)

Gene: LMBRD2 (LMBR1 domain containing 2; minus strand). Cytogenetic location: 5p13.2.
Variant type: single nucleotide variant.
Coding change: c.1789A>G on transcript NM_001007527.2 (MANE Select); coding-DNA position 1789, A replaced by G.
Protein change: p.Arg597Gly; replaces arginine 597 with glycine.
Molecular consequence: missense variant.
Genome position (GRCh38, 1-based): chr5:36,109,947, T>C on the plus strand (A>G on the coding strand, the complement: LMBRD2 is on the minus strand). VCF-style: chr5-36109947-T-C. GRCh37 (hg19) VCF-style: chr5-36110049-T-C.
Other names: short protein forms R597G.
Identifiers: ClinVar variation 5000670 (VCV005000670.1).